The following is an entry in ClinVar:

ClinVar aggregate classification (germline): Benign/Likely benign. Review status: criteria provided, multiple submitters, no conflicts (2 of 4 stars). 4 submissions from 4 submitters: Benign (1); Likely benign (3). Last evaluated 2024-10-08.

Allele frequency attached by ClinVar (database versions not stated): gnomAD 0.00011 and 0.00039; TOPMed 0.00034; gnomAD exomes 0.00058 and 0.00098; ExAC 0.00103; 1000 Genomes Project 30x 0.00344; 1000 Genomes Project 0.00379.
gnomAD v4.1: 986 of 1,612,706 alleles (0.061%); highest among the groups gnomAD compares: East Asian, 1.2%; 8 homozygotes.

Submissions (4):

Blueprint Genetics
Classification: Likely benign. Last evaluated: 2024-10-08. Review status: criteria provided, single submitter. Criteria: ACMG Guidelines, 2015. Collection method: clinical testing. Allele origin: germline.

Labcorp Genetics (formerly Invitae), Labcorp
Classification: Benign. Last evaluated: 2024-01-18. Review status: criteria provided, single submitter. Criteria: Invitae Variant Classification Sherloc (09022015). Collection method: clinical testing. Allele origin: germline.

CeGaT Center for Human Genetics Tuebingen
Classification: Likely benign. Last evaluated: 2023-10-01. Review status: criteria provided, single submitter. Criteria: CeGaT Center For Human Genetics Tuebingen Variant Classification Criteria Version 2. Collection method: clinical testing. Allele origin: germline. Affected: yes. Observed: 1 variant allele.
Comment: MYO5A: BP4

Genetic Services Laboratory, University of Chicago
Classification: Likely benign. Last evaluated: 2016-06-27. Review status: criteria provided, single submitter. Criteria: ACMG Guidelines, 2015. Collection method: clinical testing. Allele origin: germline. Affected: no.

NM_001382347.1(MYO5A):c.3568-4C>T

Gene: MYO5A (myosin VA; minus strand). Cytogenetic location: 15q21.2.
Variant type: single nucleotide variant.
Coding change: c.3568-4C>T on transcript NM_001382347.1 (MANE Select); 4 bases into the intron before coding-DNA position 3568, C replaced by T.
Molecular consequence: intron variant.
Genome position (GRCh38, 1-based): chr15:52,353,662, G>A on the plus strand (C>T on the coding strand, the complement: MYO5A is on the minus strand). VCF-style: chr15-52353662-G-A. GRCh37 (hg19) VCF-style: chr15-52645859-G-A.
Other names: c.3568-4C>T (NM_000259.3, NM_001142495.2); c.3640-4C>T (NM_001382349.1, NM_001382348.1).
Identifiers: ClinVar variation 435921 (VCV000435921.40), dbSNP rs144406001, ClinGen allele CA7568375.
Genomic context (GRCh38, chr15:52,353,662, plus strand): 5'-TACCTTGAGTGACTCATATTCCAGTTCTGCACCTCTAATTTGTGGTCTTTCTTCTTCCTA[G>A]GGAAAAGTTAAAGTTTTATATTTTAATTGTCACATTTTTACTCTTAAAATATTTACTTGC-3'